The following is an entry in ClinVar:

ClinVar aggregate classification (germline): Uncertain significance (1 of 4 stars; one submission).

Conditions:
SCN3A-related disorder. Also called: SCN3A-related condition.

Submission:

PreventionGenetics, part of Exact Sciences
Classification: Uncertain significance for SCN3A-related condition. Last evaluated: 2023-06-22. Review status: criteria provided, single submitter. Criteria: ACMG Guidelines, 2015. Collection method: clinical testing. Allele origin: germline.
Comment: The SCN3A c.5189C>A variant is predicted to result in the amino acid substitution p.Thr1730Lys. To our knowledge, this variant has not been reported in the literature or in a large population database, indicating this variant is rare. At this time, the clinical significance of this variant is uncertain due to the absence of conclusive functional and genetic evidence.

NM_006922.4(SCN3A):c.5189C>A (p.Thr1730Lys)

Gene: SCN3A (sodium voltage-gated channel alpha subunit 3; minus strand). Cytogenetic location: 2q24.3.
Variant type: single nucleotide variant.
Coding change: c.5189C>A on transcript NM_006922.4 (MANE Select); coding-DNA position 5189, C replaced by A.
Protein change: p.Thr1730Lys; replaces threonine 1730 with lysine.
Molecular consequence: missense variant.
Genome position (GRCh38, 1-based): chr2:165,090,964, G>T on the plus strand (C>A on the coding strand, the complement: SCN3A is on the minus strand). VCF-style: chr2-165090964-G-T. GRCh37 (hg19) VCF-style: chr2-165947474-G-T.
Other names: c.5042C>A, p.Thr1681Lys (NM_001081676.2, NM_001081677.2); short protein forms T1681K, T1730K.
Identifiers: ClinVar variation 2632270 (VCV002632270.1), dbSNP rs2468040434, ClinGen allele CA349016845.